The following is an entry in ClinVar:

ClinVar aggregate classification (germline): Uncertain significance (1 of 4 stars; one submission).

gnomAD v4.1: 1 of 1,614,092 alleles (0.000062%); highest among the groups gnomAD compares: Non-Finnish European, 0.000085%; no homozygotes.

Submission:

Labcorp Genetics (formerly Invitae), Labcorp
Classification: Uncertain significance. Last evaluated: 2023-10-20. Review status: criteria provided, single submitter. Criteria: Invitae Variant Classification Sherloc (09022015). Collection method: clinical testing. Allele origin: germline.
Comment: This sequence change replaces glutamic acid, which is acidic and polar, with lysine, which is basic and polar, at codon 145 of the LHX4 protein (p.Glu145Lys). This variant is not present in population databases (gnomAD no frequency). This variant has not been reported in the literature in individuals affected with LHX4-related conditions. Advanced modeling of protein sequence and biophysical properties (such as structural, functional, and spatial information, amino acid conservation, physicochemical variation, residue mobility, and thermodynamic stability) performed at Invitae indicates that this missense variant is not expected to disrupt LHX4 protein function. In summary, the available evidence is currently insufficient to determine the role of this variant in disease. Therefore, it has been classified as a Variant of Uncertain Significance.

NM_033343.4(LHX4):c.433G>A (p.Glu145Lys)

Gene: LHX4 (LIM homeobox 4; plus strand). Cytogenetic location: 1q25.2.
Variant type: single nucleotide variant.
Coding change: c.433G>A on transcript NM_033343.4 (MANE Select); coding-DNA position 433, G replaced by A.
Protein change: p.Glu145Lys; replaces glutamic acid 145 with lysine.
Molecular consequence: missense variant.
Genome position (GRCh38, 1-based): chr1:180,266,576, G>A. VCF-style: chr1-180266576-G-A. GRCh37 (hg19) VCF-style: chr1-180235711-G-A.
Other names: short protein forms E145K.
Identifiers: ClinVar variation 2967857 (VCV002967857.3), dbSNP rs1648323639, ClinGen allele CA343595999.